The following is an entry in ClinVar:

ClinVar aggregate classification (germline): Uncertain significance (1 of 4 stars; one submission).

Conditions:
Primary ciliary dyskinesia. Also called: Ciliary dyskinesia. Identifiers: Orphanet 244, MedGen C0008780, MONDO:0016575, HP:0012265.

Allele frequency attached by ClinVar (database versions not stated): gnomAD 0.00001; gnomAD exomes 0.00001; TOPMed 0.00001; ExAC 0.00002.
gnomAD v4.1: 17 of 1,614,072 alleles (0.0011%); highest among the groups gnomAD compares: Middle Eastern, 0.066%; no homozygotes.

Submission:

Labcorp Genetics (formerly Invitae), Labcorp
Classification: Uncertain significance for Primary ciliary dyskinesia. Last evaluated: 2025-11-04. Review status: criteria provided, single submitter. Criteria: Invitae Variant Classification Sherloc (09022015). Collection method: clinical testing. Allele origin: germline.
Comment: This sequence change replaces leucine, which is neutral and non-polar, with proline, which is neutral and non-polar, at codon 55 of the DNAI1 protein (p.Leu55Pro). This variant is not present in population databases (gnomAD no frequency). This variant has not been reported in the literature in individuals affected with DNAI1-related conditions. ClinVar contains an entry for this variant (Variation ID: 2151532). Invitae Evidence Modeling of protein sequence and biophysical properties (such as structural, functional, and spatial information, amino acid conservation, physicochemical variation, residue mobility, and thermodynamic stability) has been performed for this missense variant. However, the output from this modeling did not meet the statistical confidence thresholds required to predict the impact of this variant on DNAI1 protein function. In summary, the available evidence is currently insufficient to determine the role of this variant in disease. Therefore, it has been classified as a Variant of Uncertain Significance.

NM_012144.4(DNAI1):c.164T>C (p.Leu55Pro)

Gene: DNAI1 (dynein axonemal intermediate chain 1; plus strand). Cytogenetic location: 9p13.3.
Variant type: single nucleotide variant.
Coding change: c.164T>C on transcript NM_012144.4 (MANE Select); coding-DNA position 164, T replaced by C.
Protein change: p.Leu55Pro; replaces leucine 55 with proline.
Molecular consequence: missense variant.
Genome position (GRCh38, 1-based): chr9:34,485,224, T>C. VCF-style: chr9-34485224-T-C. GRCh37 (hg19) VCF-style: chr9-34485222-T-C.
Other names: c.164T>C, p.Leu55Pro (NM_001281428.2); short protein forms L55P.
Identifiers: ClinVar variation 2151532 (VCV002151532.2), dbSNP rs754149521, ClinGen allele CA5033939.